The following is an entry in ClinVar:

NM_000020.3(ACVRL1):c.1228C>T (p.Arg410Cys)

Gene: ACVRL1 (activin A receptor like type 1; plus strand). Cytogenetic location: 12q13.13.
Variant type: single nucleotide variant.
Coding change: c.1228C>T on transcript NM_000020.3 (MANE Select); coding-DNA position 1228, C replaced by T.
Protein change: p.Arg410Cys; replaces arginine 410 with cysteine.
Molecular consequence: missense variant.
Genome position (GRCh38, 1-based): chr12:51,916,215, C>T. VCF-style: chr12-51916215-C-T. GRCh37 (hg19) VCF-style: chr12-52309999-C-T.
Other names: p.Arg410Cys; c.1228C>T, p.Arg410Cys (NM_001077401.2); short protein forms R410C.
Identifiers: ClinVar variation 236551 (VCV000236551.9), dbSNP rs781770577, ClinGen allele CA6573090.

ClinVar aggregate classification (germline): Conflicting classifications of pathogenicity. Review status: criteria provided, conflicting classifications (1 of 4 stars). 4 submissions from 4 submitters: Uncertain significance (3); Likely benign (1). Last evaluated 2025-12-30.

Conditions:
Cardiovascular phenotype. Identifiers: MedGen CN230736.
Telangiectasia, hereditary hemorrhagic, type 2 (HHT2). Also called: ACVRL1-Related Hereditary Hemorrhagic Telangiectasia; Telangiectasia, hereditary hemorrhagic, type II. Identifiers: Orphanet 774, MedGen C1838163, MONDO:0010880, OMIM 600376. Disease mechanism: loss of function.

Allele frequency attached by ClinVar (database versions not stated): gnomAD exomes 0.00003 and 0.00004; TOPMed 0.00002; ExAC 0.00003; gnomAD 0.00002.
gnomAD v4.1: 62 of 1,613,972 alleles (0.0038%); highest among the groups gnomAD compares: Admixed American, 0.0067%; no homozygotes.

Submissions (4):

Ambry Genetics
Classification: Likely benign for Cardiovascular phenotype. Last evaluated: 2025-12-30. Review status: criteria provided, single submitter. Criteria: Ambry Variant Classification Scheme 2023. Collection method: clinical testing. Allele origin: germline.

Mayo Clinic Laboratories, Mayo Clinic
Classification: Uncertain significance. Last evaluated: 2025-02-19. Review status: criteria provided, single submitter. Criteria: ACMG Guidelines, 2015. Collection method: clinical testing. Allele origin: germline. Observed: 1 variant allele.

Labcorp Genetics (formerly Invitae), Labcorp
Classification: Uncertain significance for Telangiectasia, hereditary hemorrhagic, type 2. Last evaluated: 2022-07-05. Review status: criteria provided, single submitter. Criteria: Invitae Variant Classification Sherloc (09022015). Collection method: clinical testing. Allele origin: germline.
Comment: This sequence change replaces arginine, which is basic and polar, with cysteine, which is neutral and slightly polar, at codon 410 of the ACVRL1 protein (p.Arg410Cys). This variant is present in population databases (rs781770577, gnomAD 0.009%). This variant has not been reported in the literature in individuals affected with ACVRL1-related conditions. ClinVar contains an entry for this variant (Variation ID: 236551). Algorithms developed to predict the effect of missense changes on protein structure and function (SIFT, PolyPhen-2, Align-GVGD) all suggest that this variant is likely to be disruptive. In summary, the available evidence is currently insufficient to determine the role of this variant in disease. Therefore, it has been classified as a Variant of Uncertain Significance.

Fulgent Genetics
Classification: Uncertain significance for Telangiectasia, hereditary hemorrhagic, type 2. Last evaluated: 2021-11-11. Review status: criteria provided, single submitter. Criteria: ACMG Guidelines, 2015. Collection method: clinical testing. Allele origin: unknown.